The following is an entry in ClinVar:

NM_002351.5(SH2D1A):c.261dup (p.Gln88fs)

Gene: SH2D1A (SH2 domain containing 1A; plus strand). Cytogenetic location: Xq25.
Variant type: Duplication.
Coding change: c.261dup on transcript NM_002351.5 (MANE Select); coding-DNA position 261, one base duplicated (T; older notation c.261dupT).
Protein change: p.Gln88fs; shifts the reading frame from glutamine 88.
Molecular consequence: frameshift variant.
Genome position (GRCh38, 1-based): chrX:124,370,235, T duplicated; the last of 3 consecutive T bases (chrX:124,370,233-124,370,235); duplicating any one gives the same sequence. VCF-style (leftmost placement, unchanged base first): chrX-124370232-A-AT. GRCh37 (hg19) VCF-style: chrX-123504082-A-AT.
Other names: c.261dup, p.Gln88fs (NM_001114937.3); short protein forms Q88fs.
Identifiers: ClinVar variation 2138715 (VCV002138715.4), dbSNP rs2147534056, ClinGen allele CA2580100304.

ClinVar aggregate classification (germline): Pathogenic (1 of 4 stars; one submission).

Conditions:
X-linked lymphoproliferative disease due to SH2D1A deficiency (XLP1). Also called: IMMUNODEFICIENCY 5; IMMUNODEFICIENCY, X-LINKED PROGRESSIVE COMBINED VARIABLE; INFECTIOUS MONONUCLEOSIS, SEVERE, SUSCEPTIBILITY TO; PURTILO SYNDROME; SH2D1A-Related Lymphoproliferative Disease, X-Linked; EBV infection severe susceptibility to. Identifiers: Orphanet 2442, Orphanet 538931, MedGen C5399825, MONDO:0024551, OMIM 308240.

Submission:

Labcorp Genetics (formerly Invitae), Labcorp
Classification: Pathogenic for X-linked lymphoproliferative disease due to SH2D1A deficiency. Last evaluated: 2022-02-25. Review status: criteria provided, single submitter. Criteria: Invitae Variant Classification Sherloc (09022015). Collection method: clinical testing. Allele origin: germline.
Comment: For these reasons, this variant has been classified as Pathogenic. This variant disrupts a region of the SH2D1A protein in which other variant(s) (p.Ile96Tyrfs*22) have been determined to be pathogenic (PMID: 11493483). This suggests that this is a clinically significant region of the protein, and that variants that disrupt it are likely to be disease-causing. This premature translational stop signal has been observed in individuals with clinical features of X-linked lymphoproliferative syndrome (PMID: 20660790; Invitae). This variant is not present in population databases (gnomAD no frequency). This sequence change creates a premature translational stop signal (p.Gln88Serfs*16) in the SH2D1A gene. While this is not anticipated to result in nonsense mediated decay, it is expected to disrupt the last 41 amino acid(s) of the SH2D1A protein.

Literature cited by the submitters: PubMed 11493483; PubMed 20660790.